The following is an entry in ClinVar:

ClinVar aggregate classification (germline): Pathogenic (1 of 4 stars; one submission).

Submission:

ISCA site 14
Classification: Pathogenic. Last evaluated: 2011-08-12. Review status: criteria provided, single submitter. Criteria: Kaminsky et al. (Genet Med. 2011). Collection method: clinical testing. Allele origin: de novo. Affected: yes. Observed: 1 variant allele.
Comment: Copy number variation identified through the course of routine clinical cytogenomic testing in postnatal populations. Clinical assertions have been curated as described in Kaminsky et al. 2011.

GRCh38/hg38 17p11.2(chr17:16656168-20390725)x3

Genes: AKAP10 (A-kinase anchoring protein 10; minus strand), ALDH3A1 (aldehyde dehydrogenase 3 family member A1; minus strand), ALDH3A2 (aldehyde dehydrogenase 3 family member A2; plus strand), ALKBH5 (alkB homolog 5, RNA demethylase; plus strand), ATPAF2 (ATP synthase mitochondrial F1 complex assembly factor 2; minus strand) and 245 more. Cytogenetic location: 17p11.2.
Variant type: copy number gain.
Change: copy number 3 (three copies instead of two) of chr17:16,656,168-20,390,725 (3.73 Mb, GRCh38 coordinates, 1-based), cytogenetic band 17p11.2.
Identifiers: ClinVar variation 58110 (VCV000058110.1).